The following is an entry in ClinVar:

ClinVar aggregate classification (germline): Pathogenic (1 of 4 stars; one submission).

Submission:

Labcorp Genetics (formerly Invitae), Labcorp
Classification: Pathogenic. Last evaluated: 2024-02-23. Review status: criteria provided, single submitter. Criteria: Invitae Variant Classification Sherloc (09022015). Collection method: clinical testing. Allele origin: germline.
Comment: This sequence change creates a premature translational stop signal (p.Ser1246Argfs*18) in the TET2 gene. It is expected to result in an absent or disrupted protein product. Loss-of-function variants in TET2 are known to be pathogenic (PMID: 36066697). This variant is not present in population databases (gnomAD no frequency). This variant has not been reported in the literature in individuals affected with TET2-related conditions. ClinVar contains an entry for this variant (Variation ID: 2110357). For these reasons, this variant has been classified as Pathogenic.

Literature cited by the submitters: PubMed 36066697.

NM_001127208.3(TET2):c.3736_3746del (p.Ser1246fs)

Genes: TET2 (tet methylcytosine dioxygenase 2; plus strand), TET2-AS1 (TET2 antisense RNA 1; minus strand). Cytogenetic location: 4q24.
Variant type: Deletion.
Coding change: c.3736_3746del on transcript NM_001127208.3 (MANE Select); coding-DNA positions 3736 to 3746, 11 bases deleted (TCGGAGCTTAC).
Protein change: p.Ser1246fs; shifts the reading frame from serine 1246.
Molecular consequence: frameshift variant.
Genome position (GRCh38, 1-based): chr4:105,243,711-105,243,721, TCGGAGCTTAC deleted; deleting any 11 consecutive bases within chr4:105,243,708-105,243,721 gives the same sequence; the c. name uses the placement nearest the transcript's 3' end. VCF-style (leftmost placement, unchanged base first): chr4-105243707-CTACTCGGAGCT-C. GRCh37 (hg19) VCF-style: chr4-106164864-CTACTCGGAGCT-C.
Other names: short protein forms S1246fs.
Identifiers: ClinVar variation 2110357 (VCV002110357.4), dbSNP rs2476537887, ClinGen allele CA2578160007.